The following is an entry in ClinVar:

NM_000077.5(CDKN2A):c.39T>G (p.Ala13=)

Gene: CDKN2A (cyclin dependent kinase inhibitor 2A; minus strand). Cytogenetic location: 9p21.3.
Variant type: single nucleotide variant.
Coding change: c.39T>G on transcript NM_000077.5; coding-DNA position 39, T replaced by G.
Protein change: p.Ala13=; no amino-acid change (alanine 13 retained).
Molecular consequence: synonymous variant (on NM_001195132.2). On other transcripts: intron variant (2).
Genome position (GRCh38, 1-based): chr9:21,974,789, A>C on the plus strand (T>G on the coding strand, the complement: CDKN2A is on the minus strand). VCF-style: chr9-21974789-A-C. GRCh37 (hg19) VCF-style: chr9-21974788-A-C.
Other names: c.39T>G, p.Ala13= (NM_001195132.2, NM_058197.5, NM_000077.6); c.-3-3581T>G (NM_001363763.2); c.194-3581T>G (NM_058195.4).
Identifiers: ClinVar variation 185104 (VCV000185104.15), dbSNP rs786201931, ClinGen allele CA191048.

ClinVar aggregate classification (germline): Benign/Likely benign. Review status: criteria provided, multiple submitters, no conflicts (2 of 4 stars). 3 submissions from 3 submitters: Benign (1); Likely benign (2). Last evaluated 2025-08-13.

Conditions:
Familial melanoma. Also called: Hereditary melanoma; Hereditary cutaneous melanoma. Identifiers: Orphanet 618, MedGen C1512419, MONDO:0018961.
Hereditary cancer-predisposing syndrome. Also called: Tumor predisposition; Neoplastic Syndromes, Hereditary; Hereditary neoplastic syndrome; Hereditary Cancer Syndrome. Identifiers: Orphanet 140162, MedGen C0027672, MeSH D009386, MONDO:0015356.
Melanoma-pancreatic cancer syndrome. Identifiers: Orphanet 404560, MedGen C1838547, MONDO:0011713, OMIM 606719. Disease mechanism: loss of function.

Allele frequency attached by ClinVar (database versions not stated): gnomAD exomes below 0.00001; TOPMed below 0.00001; gnomAD 0.00001.
gnomAD v4.1: 3 of 1,607,248 alleles (0.00019%); highest among the groups gnomAD compares: African/African-American, 0.004%; no homozygotes.

Submissions (3):

Myriad Genetics, Inc.
Classification: Benign for Melanoma-pancreatic cancer syndrome. Last evaluated: 2025-08-13. Review status: criteria provided, single submitter. Criteria: Myriad Autosomal Dominant, Autosomal Recessive and X-Linked Classification Criteria (2023). Collection method: clinical testing. Allele origin: unknown.
Comment: This variant is considered benign. This variant is a silent/synonymous amino acid change and it is not expected to impact splicing.

Labcorp Genetics (formerly Invitae), Labcorp
Classification: Likely benign for Familial melanoma. Last evaluated: 2024-10-11. Review status: criteria provided, single submitter. Criteria: Invitae Variant Classification Sherloc (09022015). Collection method: clinical testing. Allele origin: germline.

Ambry Genetics
Classification: Likely benign for Hereditary cancer-predisposing syndrome. Last evaluated: 2014-06-25. Review status: criteria provided, single submitter. Criteria: Ambry Variant Classification Scheme 2023. Collection method: clinical testing. Allele origin: germline.